The following is an entry in ClinVar:

NM_005633.4(SOS1):c.3082-6C>A

Gene: SOS1 (SOS Ras/Rac guanine nucleotide exchange factor 1; minus strand). Cytogenetic location: 2p22.1.
Variant type: single nucleotide variant.
Coding change: c.3082-6C>A on transcript NM_005633.4 (MANE Select); 6 bases into the intron before coding-DNA position 3082, C replaced by A.
Molecular consequence: intron variant.
Genome position (GRCh38, 1-based): chr2:38,995,393, G>T on the plus strand (C>A on the coding strand, the complement: SOS1 is on the minus strand). VCF-style: chr2-38995393-G-T. GRCh37 (hg19) VCF-style: chr2-39222534-G-T.
Other names: c.3061-6C>A (NM_001382394.1); c.3082-6C>A (NM_001382395.1).
Identifiers: ClinVar variation 1309017 (VCV001309017.2), dbSNP rs2124475838, ClinGen allele CA2573051944.

ClinVar aggregate classification (germline): Uncertain significance (1 of 4 stars; one submission).

gnomAD v4.1: 1 of 1,611,404 alleles (0.000062%); highest among the groups gnomAD compares: South Asian, 0.0011%; no homozygotes.

Submission:

GeneDx
Classification: Uncertain significance. Last evaluated: 2019-10-01. Review status: criteria provided, single submitter. Criteria: GeneDx Variant Classification Process June 2021. Collection method: clinical testing. Allele origin: germline. Affected: yes.
Comment: Not observed in large population cohorts (Lek et al., 2016); In silico analysis, which includes splice predictors and evolutionary conservation, supports a deleterious effect; Has not been previously published as pathogenic or benign to our knowledge